The following is an entry in ClinVar:

NM_000361.3(THBD):c.465G>T (p.Glu155Asp)

Gene: THBD (thrombomodulin; minus strand). Cytogenetic location: 20p11.21.
Variant type: single nucleotide variant.
Coding change: c.465G>T on transcript NM_000361.3 (MANE Select); coding-DNA position 465, G replaced by T.
Protein change: p.Glu155Asp; replaces glutamic acid 155 with aspartic acid.
Molecular consequence: missense variant.
Genome position (GRCh38, 1-based): chr20:23,049,040, C>A on the plus strand (G>T on the coding strand, the complement: THBD is on the minus strand). VCF-style: chr20-23049040-C-A. GRCh37 (hg19) VCF-style: chr20-23029677-C-A.
Other names: short protein forms E155D.
Identifiers: ClinVar variation 2662212 (VCV002662212.3), dbSNP rs1159087775, ClinGen allele CA408407625.
Genomic context (GRCh38, chr20:23,049,040, plus strand): 5'-GCAGGTGGCTGGGAAGTGGAACTCGCAGAGGAAGCCATCGGCCTTCACTTCGCACTGCTG[C>A]TCCTCCCAGATCGGCTCGCTGGGCACAGTGGCCTCAGCAGCGGAGACAGCGACGCACAAC-3'
Protein context (NP_000352.1, residues 145-165): ATVPSEPIWE[Glu155Asp]QQCEVKADGF

ClinVar aggregate classification (germline): Uncertain significance. Review status: criteria provided, multiple submitters, no conflicts (2 of 4 stars). 2 submissions from 2 submitters: Uncertain significance (2). Last evaluated 2024-03-02.

Allele frequency attached by ClinVar (database versions not stated): gnomAD 0.00001; TOPMed 0.00001.

Submissions (2):

Labcorp Genetics (formerly Invitae), Labcorp
Classification: Uncertain significance. Last evaluated: 2024-03-02. Review status: criteria provided, single submitter. Criteria: Invitae Variant Classification Sherloc (09022015). Collection method: clinical testing. Allele origin: germline.
Comment: This sequence change replaces glutamic acid, which is acidic and polar, with aspartic acid, which is acidic and polar, at codon 155 of the THBD protein (p.Glu155Asp). This variant is present in population databases (no rsID available, gnomAD 0.01%). This variant has not been reported in the literature in individuals affected with THBD-related conditions. ClinVar contains an entry for this variant (Variation ID: 2662212). Advanced modeling of protein sequence and biophysical properties (such as structural, functional, and spatial information, amino acid conservation, physicochemical variation, residue mobility, and thermodynamic stability) performed at Invitae indicates that this missense variant is not expected to disrupt THBD protein function with a negative predictive value of 80%. In summary, the available evidence is currently insufficient to determine the role of this variant in disease. Therefore, it has been classified as a Variant of Uncertain Significance.

GeneDx
Classification: Uncertain significance. Last evaluated: 2023-04-14. Review status: criteria provided, single submitter. Criteria: GeneDx Variant Classification Process June 2021. Collection method: clinical testing. Allele origin: germline. Affected: yes.
Comment: In silico analysis supports that this missense variant does not alter protein structure/function; Has not been previously published as pathogenic or benign to our knowledge